The following is an entry in ClinVar:

ClinVar aggregate classification (germline): Uncertain significance (1 of 4 stars; one submission).

Allele frequency attached by ClinVar (database versions not stated): gnomAD 0.00001; TOPMed 0.00002; gnomAD exomes 0.00003; ExAC 0.00009.
gnomAD v4.1: 22 of 1,614,050 alleles (0.0014%); highest among the groups gnomAD compares: Admixed American, 0.037%; no homozygotes.

Submission:

Labcorp Genetics (formerly Invitae), Labcorp
Classification: Uncertain significance. Last evaluated: 2022-07-21. Review status: criteria provided, single submitter. Criteria: Invitae Variant Classification Sherloc (09022015). Collection method: clinical testing. Allele origin: germline.
Comment: This sequence change replaces leucine, which is neutral and non-polar, with proline, which is neutral and non-polar, at codon 1244 of the MYO5B protein (p.Leu1244Pro). This variant is present in population databases (rs766403576, gnomAD 0.05%). This variant has not been reported in the literature in individuals affected with MYO5B-related conditions. Algorithms developed to predict the effect of missense changes on protein structure and function are either unavailable or do not agree on the potential impact of this missense change (SIFT: "Deleterious"; PolyPhen-2: "Probably Damaging"; Align-GVGD: "Class C0"). In summary, the available evidence is currently insufficient to determine the role of this variant in disease. Therefore, it has been classified as a Variant of Uncertain Significance.

NM_001080467.3(MYO5B):c.3731T>C (p.Leu1244Pro)

Gene: MYO5B (myosin VB; minus strand). Cytogenetic location: 18q21.1.
Variant type: single nucleotide variant.
Coding change: c.3731T>C on transcript NM_001080467.3 (MANE Select); coding-DNA position 3731, T replaced by C.
Protein change: p.Leu1244Pro; replaces leucine 1244 with proline.
Molecular consequence: missense variant.
Genome position (GRCh38, 1-based): chr18:49,864,253, A>G on the plus strand (T>C on the coding strand, the complement: MYO5B is on the minus strand). VCF-style: chr18-49864253-A-G. GRCh37 (hg19) VCF-style: chr18-47390623-A-G.
Other names: short protein forms L1244P.
Identifiers: ClinVar variation 2074894 (VCV002074894.1), dbSNP rs766403576, ClinGen allele CA8960612.